The following is an entry in ClinVar:

NM_002692.4(POLE2):c.478G>A (p.Gly160Arg)

Gene: POLE2 (DNA polymerase epsilon 2, accessory subunit; minus strand). Cytogenetic location: 14q21.3.
Variant type: single nucleotide variant.
Coding change: c.478G>A on transcript NM_002692.4 (MANE Select); coding-DNA position 478, G replaced by A.
Protein change: p.Gly160Arg; replaces glycine 160 with arginine.
Molecular consequence: missense variant.
Genome position (GRCh38, 1-based): chr14:49,669,538, C>T on the plus strand (G>A on the coding strand, the complement: POLE2 is on the minus strand). VCF-style: chr14-49669538-C-T. GRCh37 (hg19) VCF-style: chr14-50136256-C-T.
Other names: c.478G>A (NM_002692.3); c.400G>A, p.Gly134Arg (NM_001197330.2); c.478G>A, p.Gly160Arg (NM_001197331.3, NM_001348384.2); c.247G>A, p.Gly83Arg (NM_001348385.2); short protein forms G83R, G134R, G160R.
Identifiers: ClinVar variation 2970215 (VCV002970215.4), dbSNP rs752482051, ClinGen allele CA7173608.

ClinVar aggregate classification (germline): Uncertain significance. Review status: criteria provided, multiple submitters, no conflicts (2 of 4 stars). 2 submissions from 2 submitters: Uncertain significance (2). Last evaluated 2024-11-22.

Allele frequency attached by ClinVar (database versions not stated): ExAC 0.00001; gnomAD 0.00001; TOPMed 0.00003; gnomAD exomes 0.00004.
gnomAD v4.1: 54 of 1,582,620 alleles (0.0034%); highest among the groups gnomAD compares: Non-Finnish European, 0.0045%; no homozygotes.

Submissions (2):

Ambry Genetics
Classification: Uncertain significance. Last evaluated: 2024-11-22. Review status: criteria provided, single submitter. Criteria: Ambry Variant Classification Scheme 2023. Collection method: clinical testing. Allele origin: germline.

Labcorp Genetics (formerly Invitae), Labcorp
Classification: Uncertain significance. Last evaluated: 2023-06-22. Review status: criteria provided, single submitter. Criteria: Invitae Variant Classification Sherloc (09022015). Collection method: clinical testing. Allele origin: germline.
Comment: This sequence change replaces glycine, which is neutral and non-polar, with arginine, which is basic and polar, at codon 160 of the POLE2 protein (p.Gly160Arg). This variant is present in population databases (rs752482051, gnomAD 0.002%). This variant has not been reported in the literature in individuals affected with POLE2-related conditions. Algorithms developed to predict the effect of missense changes on protein structure and function output the following: SIFT: "Not Available"; PolyPhen-2: "Benign"; Align-GVGD: "Not Available". The arginine amino acid residue is found in multiple mammalian species, which suggests that this missense change does not adversely affect protein function. In summary, the available evidence is currently insufficient to determine the role of this variant in disease. Therefore, it has been classified as a Variant of Uncertain Significance.